The following is an entry in ClinVar:

NM_001127222.2(CACNA1A):c.2594A>G (p.His865Arg)

Gene: CACNA1A (calcium voltage-gated channel subunit alpha1 A; minus strand). Cytogenetic location: 19p13.13.
Variant type: single nucleotide variant.
Coding change: c.2594A>G on transcript NM_001127222.2 (MANE Select); coding-DNA position 2594, A replaced by G.
Protein change: p.His865Arg; replaces histidine 865 with arginine.
Molecular consequence: missense variant.
Genome position (GRCh38, 1-based): chr19:13,299,039, T>C on the plus strand (A>G on the coding strand, the complement: CACNA1A is on the minus strand). VCF-style: chr19-13299039-T-C. GRCh37 (hg19) VCF-style: chr19-13409853-T-C.
Other names: c.2606A>G, p.His869Arg (NM_000068.4, NM_023035.3); c.2597A>G, p.His866Arg (NM_001127221.2, NM_001174080.2); short protein forms H866R, H869R, H865R.
Identifiers: ClinVar variation 3994386 (VCV003994386.2).

ClinVar aggregate classification (germline): Uncertain significance. Review status: criteria provided, multiple submitters, no conflicts (2 of 4 stars). 2 submissions from 2 submitters: Uncertain significance (2). Last evaluated 2026-04-25.

Conditions:
Inborn genetic diseases. Identifiers: MedGen C0950123, MeSH D030342.

Submissions (2):

GeneDx
Classification: Uncertain significance. Last evaluated: 2026-04-25. Review status: criteria provided, single submitter. Criteria: GeneDx Variant Classification Process June 2021. Collection method: clinical testing. Allele origin: germline.
Comment: Not observed at significant frequency in large population cohorts (gnomAD); In silico analysis suggests that this missense variant does not alter protein structure/function; Has not been previously published as pathogenic or benign to our knowledge

Ambry Genetics
Classification: Uncertain significance for Inborn genetic diseases. Last evaluated: 2025-04-02. Review status: criteria provided, single submitter. Criteria: Ambry Variant Classification Scheme 2023. Collection method: clinical testing. Allele origin: germline.